The following is an entry in ClinVar:

ClinVar aggregate classification (germline): Uncertain significance (1 of 4 stars; one submission).

Conditions:
Hypertrophic cardiomyopathy 19. Also called: Familial hypertrophic cardiomyopathy 19. Identifiers: MedGen CN077603, MONDO:0013476.

Allele frequency attached by ClinVar (database versions not stated): gnomAD 0.00001; TOPMed 0.00001.

Submission:

Labcorp Genetics (formerly Invitae), Labcorp
Classification: Uncertain significance for Hypertrophic cardiomyopathy 19. Last evaluated: 2025-11-13. Review status: criteria provided, single submitter. Criteria: Invitae Variant Classification Sherloc (09022015). Collection method: clinical testing. Allele origin: germline.
Comment: This sequence change replaces isoleucine, which is neutral and non-polar, with threonine, which is neutral and polar, at codon 136 of the CALR3 protein (p.Ile136Thr). This variant is not present in population databases (gnomAD no frequency). This variant has not been reported in the literature in individuals affected with CALR3-related conditions. ClinVar contains an entry for this variant (Variation ID: 2963679). Invitae Evidence Modeling of protein sequence and biophysical properties (such as structural, functional, and spatial information, amino acid conservation, physicochemical variation, residue mobility, and thermodynamic stability) indicates that this missense variant is not expected to disrupt CALR3 protein function with a negative predictive value of 80%. In summary, the available evidence is currently insufficient to determine the role of this variant in disease. Therefore, it has been classified as a Variant of Uncertain Significance.

NM_145046.5(CALR3):c.407T>C (p.Ile136Thr)

Gene: CALR3 (calreticulin 3; minus strand). Cytogenetic location: 19p13.11.
Variant type: single nucleotide variant.
Coding change: c.407T>C on transcript NM_145046.5 (MANE Select); coding-DNA position 407, T replaced by C.
Protein change: p.Ile136Thr; replaces isoleucine 136 with threonine.
Molecular consequence: missense variant.
Genome position (GRCh38, 1-based): chr19:16,485,248, A>G on the plus strand (T>C on the coding strand, the complement: CALR3 is on the minus strand). VCF-style: chr19-16485248-A-G. GRCh37 (hg19) VCF-style: chr19-16596059-A-G.
Other names: short protein forms I136T.
Identifiers: ClinVar variation 2963679 (VCV002963679.3), dbSNP rs903597980, ClinGen allele CA305984084.